The following is an entry in ClinVar:

ClinVar aggregate classification (germline): Benign/Likely benign. Review status: criteria provided, multiple submitters, no conflicts (2 of 4 stars). 3 submissions from 2 submitters: Benign (1); Likely benign (2). Last evaluated 2018-01-13.

Conditions:
Dilated cardiomyopathy 1J (CMD1J). Also called: CARDIOMYOPATHY, DILATED, WITH SENSORINEURAL HEARING LOSS, AUTOSOMAL DOMINANT. Identifiers: Orphanet 217622, MedGen C1854368, MONDO:0011541, OMIM 605362.
Autosomal dominant nonsyndromic hearing loss 10. Identifiers: Orphanet 90635, MedGen C1832476, MONDO:0011031, OMIM 601316.

Allele frequency attached by ClinVar (database versions not stated): 1000 Genomes Project 0.02855; 1000 Genomes Project 30x 0.02967; gnomAD 0.05324 and 0.05509; TOPMed 0.05401.

Submissions (3):

Illumina Laboratory Services, Illumina
Classification: Likely benign for Dilated cardiomyopathy 1J. Last evaluated: 2018-01-13. Review status: criteria provided, single submitter. Criteria: ICSL Variant Classification Criteria 13 December 2019. Collection method: clinical testing. Allele origin: germline.
Comment: This variant was observed in the ICSL laboratory as part of a predisposition screen in an ostensibly healthy population. It had not been previously curated by ICSL or reported in the Human Gene Mutation Database (HGMD: prior to June 1st, 2018), and was therefore a candidate for classification through an automated scoring system. Utilizing variant allele frequency, disease prevalence and penetrance estimates, and inheritance mode, an automated score was calculated to assess if this variant is too frequent to cause the disease. Based on the score and internal cut-off values, a variant classified as likely benign is not then subjected to further curation. The score for this variant resulted in a classification of likely benign for this disease.

Illumina Laboratory Services, Illumina
Classification: Benign for Autosomal dominant nonsyndromic hearing loss 10. Last evaluated: 2018-01-13. Review status: criteria provided, single submitter. Criteria: ICSL Variant Classification Criteria 13 December 2019. Collection method: clinical testing. Allele origin: germline.
Comment: This variant was observed in the ICSL laboratory as part of a predisposition screen in an ostensibly healthy population. It had not been previously curated by ICSL or reported in the Human Gene Mutation Database (HGMD: prior to June 1st, 2018), and was therefore a candidate for classification through an automated scoring system. Utilizing variant allele frequency, disease prevalence and penetrance estimates, and inheritance mode, an automated score was calculated to assess if this variant is too frequent to cause the disease. Based on the score and internal cut-off values, a variant classified as benign is not then subjected to further curation. The score for this variant resulted in a classification of benign for this disease.

Breakthrough Genomics
Classification: Likely benign. Review status: criteria provided, single submitter. Criteria: ACMG Guidelines, 2015. Collection method: not provided. Allele origin: germline. Inheritance: Autosomal dominant inheritance. Affected: yes.

NM_004100.5(EYA4):c.*3014T>C

Genes: TARID (TCF21 antisense RNA inducing promoter demethylation; minus strand), EYA4 (EYA transcriptional coactivator and phosphatase 4; plus strand). Cytogenetic location: 6q23.2.
Variant type: single nucleotide variant.
Coding change: c.*3014T>C on transcript NM_004100.5 (MANE Select); 3014 bases downstream of the stop codon, T replaced by C.
Molecular consequence: 3 prime UTR variant.
Genome position (GRCh38, 1-based): chr6:133,531,819, T>C. VCF-style: chr6-133531819-T-C. GRCh37 (hg19) VCF-style: chr6-133852957-T-C.
Other names: c.*3014T>C (NM_001301012.2, NM_001301013.2, NM_001370458.1 and 3 more transcripts).
Identifiers: ClinVar variation 355477 (VCV000355477.6), dbSNP rs76510133, ClinGen allele CA10626033.